The following is an entry in ClinVar:

ClinVar aggregate classification (germline): Likely benign. Review status: criteria provided, multiple submitters, no conflicts (2 of 4 stars). 2 submissions from 2 submitters: Likely benign (2). Last evaluated 2026-07-01.

Allele frequency attached by ClinVar (database versions not stated): 1000 Genomes Project 30x 0.00016; TOPMed 0.00036; gnomAD exomes 0.00044.
gnomAD v4.1: 679 of 1,569,168 alleles (0.043%); highest among the groups gnomAD compares: Non-Finnish European, 0.052%; 1 homozygote.

Submissions (2):

CeGaT Center for Human Genetics Tuebingen
Classification: Likely benign. Last evaluated: 2026-07-01. Review status: criteria provided, single submitter. Criteria: CeGaT Center For Human Genetics Tuebingen Variant Classification Criteria Version 2. Collection method: clinical testing. Allele origin: germline. Affected: yes. Observed: 5 variant alleles.
Comment: NOTCH2: BP4, BP7

Blueprint Genetics
Classification: Likely benign. Last evaluated: 2024-07-24. Review status: criteria provided, single submitter. Criteria: ACMG Guidelines, 2015. Collection method: clinical testing. Allele origin: germline.

NM_024408.4(NOTCH2):c.57C>T (p.Cys19=)

Gene: NOTCH2 (notch receptor 2; minus strand). Cytogenetic location: 1p12.
Variant type: single nucleotide variant.
Coding change: c.57C>T on transcript NM_024408.4 (MANE Select); coding-DNA position 57, C replaced by T.
Protein change: p.Cys19=; no amino-acid change (cysteine 19 retained).
Molecular consequence: synonymous variant.
Genome position (GRCh38, 1-based): chr1:120,069,350, G>A on the plus strand (C>T on the coding strand, the complement: NOTCH2 is on the minus strand). VCF-style: chr1-120069350-G-A. GRCh37 (hg19) VCF-style: chr1-120611964-G-A.
Other names: c.57C>T, p.Cys19= (NM_001200001.2).
Identifiers: ClinVar variation 1013526 (VCV001013526.39), dbSNP rs11810554, ClinGen allele CA1041045.